The following is an entry in ClinVar:

ClinVar aggregate classification (germline): Uncertain significance (1 of 4 stars; one submission).

Allele frequency attached by ClinVar (database versions not stated): gnomAD exomes 0.00001 and 0.00002; ExAC 0.00003; TOPMed 0.00003.
gnomAD v4.1: 5 of 1,612,666 alleles (0.00031%); highest among the groups gnomAD compares: Admixed American, 0.0067%; no homozygotes.

Submission:

Labcorp Genetics (formerly Invitae), Labcorp
Classification: Uncertain significance. Last evaluated: 2022-03-08. Review status: criteria provided, single submitter. Criteria: Invitae Variant Classification Sherloc (09022015). Collection method: clinical testing. Allele origin: germline.
Comment: This sequence change replaces isoleucine, which is neutral and non-polar, with valine, which is neutral and non-polar, at codon 1289 of the ABCA3 protein (p.Ile1289Val). This variant is present in population databases (rs767424573, gnomAD 0.01%). This variant has not been reported in the literature in individuals affected with ABCA3-related conditions. Algorithms developed to predict the effect of missense changes on protein structure and function output the following: SIFT: "Tolerated"; PolyPhen-2: "Benign"; Align-GVGD: "Class C0". The valine amino acid residue is found in multiple mammalian species, which suggests that this missense change does not adversely affect protein function. In summary, the available evidence is currently insufficient to determine the role of this variant in disease. Therefore, it has been classified as a Variant of Uncertain Significance.

NM_001089.3(ABCA3):c.3865A>G (p.Ile1289Val)

Gene: ABCA3 (ATP binding cassette subfamily A member 3; minus strand). Cytogenetic location: 16p13.3.
Variant type: single nucleotide variant.
Coding change: c.3865A>G on transcript NM_001089.3 (MANE Select); coding-DNA position 3865, A replaced by G.
Protein change: p.Ile1289Val; replaces isoleucine 1289 with valine.
Molecular consequence: missense variant.
Genome position (GRCh38, 1-based): chr16:2,283,356, T>C on the plus strand (A>G on the coding strand, the complement: ABCA3 is on the minus strand). VCF-style: chr16-2283356-T-C. GRCh37 (hg19) VCF-style: chr16-2333357-T-C.
Other names: short protein forms I1289V.
Identifiers: ClinVar variation 1417606 (VCV001417606.6), dbSNP rs767424573, ClinGen allele CA7840333.